The following is an entry in ClinVar:

ClinVar aggregate classification (germline): Uncertain significance (1 of 4 stars; one submission).

Conditions:
Dyskeratosis congenita. Identifiers: Orphanet 1775, MedGen C0265965, MONDO:0015780.

Submission:

Ambry Genetics
Classification: Uncertain significance for Dyskeratosis congenita. Last evaluated: 2023-04-13. Review status: criteria provided, single submitter. Criteria: Ambry Variant Classification Scheme 2023. Collection method: clinical testing. Allele origin: germline.
Comment: The p.C896Y variant (also known as c.2687G>A), located in coding exon 11 of the TERT gene, results from a G to A substitution at nucleotide position 2687. The cysteine at codon 896 is replaced by tyrosine, an amino acid with highly dissimilar properties. This amino acid position is conserved. In addition, the in silico prediction for this alteration is inconclusive. Since supporting evidence is limited at this time, the clinical significance of this alteration remains unclear.

NM_198253.3(TERT):c.2687G>A (p.Cys896Tyr)

Gene: TERT (telomerase reverse transcriptase; minus strand). Cytogenetic location: 5p15.33.
Variant type: single nucleotide variant.
Coding change: c.2687G>A on transcript NM_198253.3 (MANE Select); coding-DNA position 2687, G replaced by A.
Protein change: p.Cys896Tyr; replaces cysteine 896 with tyrosine.
Molecular consequence: missense variant. On other transcripts: intron variant (1).
Genome position (GRCh38, 1-based): chr5:1,264,560, C>T on the plus strand (G>A on the coding strand, the complement: TERT is on the minus strand). VCF-style: chr5-1264560-C-T. GRCh37 (hg19) VCF-style: chr5-1264675-C-T.
Other names: c.2654+1904G>A (NM_001193376.3); c.2687G>A, p.Cys896Tyr (NM_003219.1); short protein forms C896Y.
Identifiers: ClinVar variation 3238574 (VCV003238574.1), dbSNP rs2478153974.